The following is an entry in ClinVar:

ClinVar aggregate classification (germline): Uncertain significance. Review status: criteria provided, multiple submitters, no conflicts (2 of 4 stars). 2 submissions from 2 submitters: Uncertain significance (2). Last evaluated 2024-11-12.

Conditions:
Nicolaides-Baraitser syndrome (NCBRS). Also called: Intellectual disability-sparse hair-brachydactyly syndrome; SMARCA2-Related Nicolaides-Baraitser Syndrome. Identifiers: Orphanet 3051, MedGen C1303073, MONDO:0011053, OMIM 601358.

Allele frequency attached by ClinVar (database versions not stated): gnomAD exomes below 0.00001.
gnomAD v4.1: 2 of 1,575,686 alleles (0.00013%); highest among the groups gnomAD compares: Non-Finnish European, 0.00017%; no homozygotes.

Submissions (2):

Labcorp Genetics (formerly Invitae), Labcorp
Classification: Uncertain significance. Last evaluated: 2024-11-12. Review status: criteria provided, single submitter. Criteria: Invitae Variant Classification Sherloc (09022015). Collection method: clinical testing. Allele origin: germline.
Comment: This sequence change replaces arginine, which is basic and polar, with glutamine, which is neutral and polar, at codon 1421 of the SMARCA2 protein (p.Arg1421Gln). This variant is not present in population databases (gnomAD no frequency). This variant has not been reported in the literature in individuals affected with SMARCA2-related conditions. ClinVar contains an entry for this variant (Variation ID: 1047931). Invitae Evidence Modeling of protein sequence and biophysical properties (such as structural, functional, and spatial information, amino acid conservation, physicochemical variation, residue mobility, and thermodynamic stability) indicates that this missense variant is expected to disrupt SMARCA2 protein function with a positive predictive value of 80%. In summary, the available evidence is currently insufficient to determine the role of this variant in disease. Therefore, it has been classified as a Variant of Uncertain Significance.

Breda Genetics srl
Classification: Uncertain significance for Nicolaides-Baraitser syndrome. Last evaluated: 2020-04-30. Review status: criteria provided, single submitter. Criteria: ACMG Guidelines, 2015. Collection method: clinical testing. Allele origin: germline. Inheritance: Autosomal dominant inheritance. Affected: yes. Observed: 1 variant allele, 1 heterozygote.
Comment: The variant c.4262G>A (p.Arg1421Gln) in the SMARCA2 gene has not been reported in dbSNP, gnomAD, 1000 Genomes, NHLI Exome Sequencing Project (ESP) or ClinVar. The nucleotide position is highly conserved across 35 mammalian species (GERP RS: 6.16). In silico analysis indicates that the variant might be damaging. Based on ACMG variant interpretation guidelines, we classify this variant as uncertain. However, on the basis of the aforementioned evidence, there is a given likelihood that the variant may actually be pathogenic, even if we cannot exclude that it is a rare benign variant.

NM_003070.5(SMARCA2):c.4262G>A (p.Arg1421Gln)

Gene: SMARCA2 (SWI/SNF related BAF chromatin remodeling complex subunit ATPase 2; plus strand). Cytogenetic location: 9p24.3.
Variant type: single nucleotide variant.
Coding change: c.4262G>A on transcript NM_003070.5 (MANE Select); coding-DNA position 4262, G replaced by A.
Protein change: p.Arg1421Gln; replaces arginine 1421 with glutamine.
Molecular consequence: missense variant.
Genome position (GRCh38, 1-based): chr9:2,181,579, G>A. VCF-style: chr9-2181579-G-A. GRCh37 (hg19) VCF-style: chr9-2181579-G-A.
Other names: c.4262G>A, p.Arg1421Gln (NM_001289396.2); c.4034G>A, p.Arg1345Gln (NM_001289397.2); c.236G>A, p.Arg79Gln (NM_001289398.2); c.320G>A, p.Arg107Gln (NM_001289399.2); c.326G>A, p.Arg109Gln (NM_001289400.2); c.4208G>A, p.Arg1403Gln (NM_139045.4); short protein forms R107Q, R109Q, R1345Q, R1403Q, R1421Q, R79Q.
Identifiers: ClinVar variation 1047931 (VCV001047931.5), dbSNP rs1827027348, ClinGen allele CA372789249.